The following is an entry in ClinVar:

NM_001134665.3(TRMT10A):c.875_878del (p.Asn292fs)

Gene: TRMT10A (tRNA methyltransferase 10A; minus strand). Cytogenetic location: 4q23.
Variant type: Deletion.
Coding change: c.875_878del on transcript NM_001134665.3 (MANE Select); coding-DNA positions 875 to 878, 4 bases deleted (ATCA; older notation c.875_878delATCA).
Protein change: p.Asn292fs; shifts the reading frame from asparagine 292.
Molecular consequence: frameshift variant.
Genome position (GRCh38, 1-based): chr4:99,549,230-99,549,233, TGAT deleted on the plus strand (ATCA on the coding strand, the reverse complement: TRMT10A is on the minus strand); deleting any 4 consecutive bases within chr4:99,549,230-99,549,235 gives the same sequence; the c. name uses the placement nearest the transcript's 3' end. VCF-style (leftmost placement, unchanged base first): chr4-99549229-CTGAT-C. GRCh37 (hg19) VCF-style: chr4-100470386-CTGAT-C.
Other names: c.875_878del, p.Asn292fs (NM_001134666.3, NM_001375880.1, NM_001375881.1 and 1 more transcripts); c.854_857del, p.Asn285fs (NM_001375882.1); short protein forms N285fs, N292fs.
Identifiers: ClinVar variation 5006814 (VCV005006814.2).

ClinVar aggregate classification (germline): Uncertain significance (1 of 4 stars; one submission).

Conditions:
Microcephaly, short stature, and impaired glucose metabolism 1 (MSSGM1). Identifiers: Orphanet 391408, MedGen C4014997, MONDO:0000208, OMIM 616033.

Submission:

Juno Genomics, Hangzhou Juno Genomics, Inc
Classification: Uncertain significance for Microcephaly, short stature, and impaired glucose metabolism 1. Review status: criteria provided, single submitter. Criteria: ACMG Guidelines, 2015. Collection method: clinical testing. Allele origin: germline.
Comment: Null variant in a gene where loss of function (LOF) is a known mechanism of disease.;Absent from controls (or at extremely low frequency if recessive) in Genome Aggregation Database.